The following is an entry in ClinVar:

NM_007194.4(CHEK2):c.1317G>T (p.Gln439His)

Gene: CHEK2 (checkpoint kinase 2; minus strand). Cytogenetic location: 22q12.1.
Variant type: single nucleotide variant.
Coding change: c.1317G>T on transcript NM_007194.4 (MANE Select); coding-DNA position 1317, G replaced by T.
Protein change: p.Gln439His; replaces glutamine 439 with histidine.
Molecular consequence: missense variant.
Genome position (GRCh38, 1-based): chr22:28,695,185, C>A on the plus strand (G>T on the coding strand, the complement: CHEK2 is on the minus strand). VCF-style: chr22-28695185-C-A. GRCh37 (hg19) VCF-style: chr22-29091173-C-A.
Other names: c.1446G>T, p.Gln482His (NM_001005735.3); c.654G>T, p.Gln218His (NM_001257387.3); c.1116G>T, p.Gln372His (NM_001349956.3); c.1230G>T, p.Gln410His (NM_145862.3); short protein forms Q439H, Q218H, Q372H, Q410H, Q482H.
Identifiers: ClinVar variation 240737 (VCV000240737.19), dbSNP rs878854915, ClinGen allele CA10583896.

ClinVar aggregate classification (germline): Uncertain significance. Review status: criteria provided, multiple submitters, no conflicts (2 of 4 stars). 7 submissions from 7 submitters: Uncertain significance (5). 2 of the submissions do not count toward it. Last evaluated 2024-11-11.

Conditions:
CHEK2-related disorder.
Hereditary cancer-predisposing syndrome. Also called: Tumor predisposition; Neoplastic Syndromes, Hereditary; Hereditary Cancer Syndrome; Hereditary neoplastic syndrome. Identifiers: Orphanet 140162, MedGen C0027672, MeSH D009386, MONDO:0015356.
Familial cancer of breast. Also called: Hereditary breast cancer; BREAST CANCER, FAMILIAL; hereditary breast carcinoma. Identifiers: Orphanet 227535, MedGen C0346153, MONDO:0016419, OMIM 114480. Disease mechanism: loss of function.

Allele frequency attached by ClinVar (database versions not stated): gnomAD 0.00001; TOPMed 0.00001.
gnomAD v4.1: 2 of 1,613,468 alleles (0.00012%); highest among the groups gnomAD compares: African/African-American, 0.0027%; no homozygotes.

Submissions (7):

Quest Diagnostics Nichols Institute San Juan Capistrano
Classification: Uncertain significance. Last evaluated: 2024-11-11. Review status: criteria provided, single submitter. Criteria: Quest Diagnostics criteria. Collection method: clinical testing. Allele origin: unknown.
Comment: The CHEK2 c.1317G>T (p.Gln439His) variant has been reported in the published literature in individuals with breast cancer as well as reportedly healthy individuals (PMID: 37449874 (2023)). Assessment of experimental evidence regarding the effect of this variant on protein function is inconclusive (PMID: 37449874 (2023)). The frequency of this variant in the general population, 0.0000066 (1/152144 chromosomes (Genome Aggregation Database)), is uninformative in the assessment of its pathogenicity. Analysis of this variant using bioinformatics tools for the prediction of the effect of amino acid changes on protein structure and function yielded predictions that this variant is damaging. Based on the available information, we are unable to determine the clinical significance of this variant.

Ambry Genetics
Classification: Uncertain significance for Hereditary cancer-predisposing syndrome. Last evaluated: 2024-03-18. Review status: criteria provided, single submitter. Criteria: Ambry Variant Classification Scheme 2023. Collection method: clinical testing. Allele origin: germline.
Comment: The p.Q439H variant (also known as c.1317G>T), located in coding exon 11 of the CHEK2 gene, results from a G to T substitution at nucleotide position 1317. The glutamine at codon 439 is replaced by histidine, an amino acid with highly similar properties. This amino acid position is highly conserved in available vertebrate species. This alteration demonstrated intermediate function in a study assessing CHEK2-complementation through quantification of KAP1 phosphorylation and was functional in a study of CHK2 autophosphorylation in human RPE1-CHEK2-knockout cells (Stolarova L et al. Clin Cancer Res, 2023 Aug;29:3037-3050). In addition, this alteration is predicted to be deleterious by in silico analysis. Based on the available evidence, the clinical significance of this alteration remains unclear.

Labcorp Genetics (formerly Invitae), Labcorp
Classification: Uncertain significance for Familial cancer of breast. Last evaluated: 2024-02-15. Review status: criteria provided, single submitter. Criteria: Invitae Variant Classification Sherloc (09022015). Collection method: clinical testing. Allele origin: germline.
Comment: This sequence change replaces glutamine, which is neutral and polar, with histidine, which is basic and polar, at codon 439 of the CHEK2 protein (p.Gln439His). This variant is not present in population databases (gnomAD no frequency). This variant has not been reported in the literature in individuals affected with CHEK2-related conditions. ClinVar contains an entry for this variant (Variation ID: 240737). An algorithm developed to predict the effect of missense changes on protein structure and function (PolyPhen-2) suggests that this variant is likely to be disruptive. In summary, the available evidence is currently insufficient to determine the role of this variant in disease. Therefore, it has been classified as a Variant of Uncertain Significance.

Myriad Genetics, Inc.
Classification: Uncertain significance for Familial cancer of breast. Last evaluated: 2023-03-08. Review status: criteria provided, single submitter. Criteria: Myriad Autosomal Dominant, Autosomal Recessive and X-Linked Classification Criteria (2023). Collection method: clinical testing. Allele origin: unknown.
Comment: This variant is classified as a variant of uncertain significance as there is insufficient evidence to determine its impact on protein function and/or cancer risk.

Color Diagnostics, LLC DBA Color Health
Classification: Uncertain significance for Hereditary cancer-predisposing syndrome. Last evaluated: 2019-09-05. Review status: criteria provided, single submitter. Criteria: ACMG Guidelines, 2015. Collection method: clinical testing. Allele origin: germline.
Comment: This missense variant replaces glutamine with histidine at codon 439 of the CHEK2 protein. Computational prediction tools and conservation analyses are inconclusive regarding the impact of this variant on protein structure and function. Splice site prediction tools suggest that this variant may not impact RNA splicing. To our knowledge, functional studies have not been performed for this variant. This variant has not been reported in individuals affected with hereditary cancer in the literature. This variant has not been identified in the general population by the Genome Aggregation Database (gnomAD). The available evidence is insufficient to determine the role of this variant in disease conclusively. Therefore, this variant is classified as a Variant of Uncertain Significance.

PreventionGenetics, part of Exact Sciences
Classification: Uncertain significance for CHEK2-related condition. Last evaluated: 2024-03-13. Review status: no assertion criteria provided. Collection method: clinical testing. Allele origin: germline. Not counted in ClinVar's aggregate classification.
Comment: The CHEK2 c.1317G>T variant is predicted to result in the amino acid substitution p.Gln439His. To our knowledge, this variant has not been reported in the literature or in a large population database, indicating this variant is rare. This variant is interpreted as uncertain significance in ClinVar. At this time, the clinical significance of this variant is uncertain due to the absence of conclusive functional and genetic evidence.

Counsyl
Classification: Uncertain significance for Familial cancer of breast. Last evaluated: 2017-06-13. Review status: no assertion criteria provided. Collection method: clinical testing. Allele origin: unknown. Not counted in ClinVar's aggregate classification.

Literature cited by the submitters: PubMed 37449874 (cited by Quest Diagnostics Nichols Institute San Juan Capistrano and Ambry Genetics).